The following is an entry in ClinVar:

ClinVar aggregate classification (germline): Pathogenic. Review status: criteria provided, single submitter (1 of 4 stars). 2 submissions from 2 submitters: Pathogenic (1). 1 of the submissions does not count toward it. Last evaluated 2023-11-17.

Conditions:
X-linked agammaglobulinemia (XLA). Also called: Agammaglobulinemia, Bruton tyrosine kinase; Agammaglobulinemia, BTK; BTK-deficiency; IMMUNODEFICIENCY 1; Bruton's agammaglobulinemia; AGAMMAGLOBULINEMIA, X-LINKED, TYPE 1. Identifiers: Orphanet 229717, Orphanet 47, MedGen C0221026, MONDO:0010421, OMIM 300755.
X-linked agammaglobulinemia with growth hormone deficiency (IGHD3). Also called: ISOLATED GROWTH HORMONE DEFICIENCY, TYPE III, WITH AGAMMAGLOBULINEMIA; AGAMMAGLOBULINEMIA AND ISOLATED GROWTH HORMONE DEFICIENCY, X-LINKED; FLEISHER SYNDROME; HYPOGAMMAGLOBULINEMIA AND ISOLATED GROWTH HORMONE DEFICIENCY, X-LINKED; IGHD III; Isolated growth hormone deficiency type 3. Identifiers: Orphanet 231692, Orphanet 631, MedGen C0472813, MONDO:0010615, OMIM 307200.

Submissions (2):

Labcorp Genetics (formerly Invitae), Labcorp
Classification: Pathogenic for X-linked agammaglobulinemia with growth hormone deficiency. Last evaluated: 2023-11-17. Review status: criteria provided, single submitter. Criteria: Invitae Variant Classification Sherloc (09022015). Collection method: clinical testing. Allele origin: germline.
Comment: This sequence change affects an acceptor splice site in intron 4 of the BTK gene. It is expected to disrupt RNA splicing. Variants that disrupt the donor or acceptor splice site typically lead to a loss of protein function (PMID: 16199547), and loss-of-function variants in BTK are known to be pathogenic (PMID: 15661032, 16862044, 19419768). This variant is not present in population databases (gnomAD no frequency). Disruption of this splice site has been observed in individuals with agammaglobulinemia (PMID: 7880320, 17045652). ClinVar contains an entry for this variant (Variation ID: 11354). Algorithms developed to predict the effect of sequence changes on RNA splicing suggest that this variant may disrupt the consensus splice site. For these reasons, this variant has been classified as Pathogenic.

OMIM
Classification: Pathogenic for AGAMMAGLOBULINEMIA, X-LINKED. Last evaluated: 1994-10-01. Review status: no assertion criteria provided. Collection method: literature only. Allele origin: germline. Not counted in ClinVar's aggregate classification.

Literature cited by the submitters: PubMed 16199547 (cited by Labcorp Genetics (formerly Invitae), Labcorp); PubMed 15661032 (cited by Labcorp Genetics (formerly Invitae), Labcorp); PubMed 16862044 (cited by Labcorp Genetics (formerly Invitae), Labcorp); PubMed 19419768 (cited by Labcorp Genetics (formerly Invitae), Labcorp); PubMed 7880320 (cited by Labcorp Genetics (formerly Invitae), Labcorp and OMIM); PubMed 17045652 (cited by Labcorp Genetics (formerly Invitae), Labcorp).

NM_000061.3(BTK):c.310-1G>C

Gene: BTK (Bruton tyrosine kinase; minus strand). Cytogenetic location: Xq22.1.
Variant type: single nucleotide variant.
Coding change: c.310-1G>C on transcript NM_000061.3 (MANE Select); the canonical splice acceptor site of the intron before coding-DNA position 310, G replaced by C.
Molecular consequence: splice acceptor variant.
Genome position (GRCh38, 1-based): chrX:101,370,080, C>G on the plus strand (G>C on the coding strand, the complement: BTK is on the minus strand). VCF-style: chrX-101370080-C-G. GRCh37 (hg19) VCF-style: chrX-100625068-C-G.
Other names: IVS4AS, G-C, -1; c.412-1G>C (NM_001287344.2); c.310-1G>C (NM_001287345.2).
Identifiers: ClinVar variation 11354 (VCV000011354.4), dbSNP rs864321662, ClinGen allele CA341086.